The following is an entry in ClinVar:

ClinVar aggregate classification (germline): Uncertain significance (1 of 4 stars; one submission).

gnomAD v4.1: 1 of 1,614,100 alleles (0.000062%); highest among the groups gnomAD compares: Non-Finnish European, 0.000085%; no homozygotes.

Submission:

GeneDx
Classification: Uncertain significance. Last evaluated: 2026-04-19. Review status: criteria provided, single submitter. Criteria: GeneDx Variant Classification Process June 2021. Collection method: clinical testing. Allele origin: germline.
Comment: Not observed at significant frequency in large population cohorts (gnomAD); In silico analysis supports that this missense variant has a deleterious effect on protein structure/function; Has not been previously published as pathogenic or benign to our knowledge

NM_000384.3(APOB):c.8419G>T (p.Asp2807Tyr)

Gene: APOB (apolipoprotein B; minus strand). Cytogenetic location: 2p24.1.
Variant type: single nucleotide variant.
Coding change: c.8419G>T on transcript NM_000384.3 (MANE Select); coding-DNA position 8419, G replaced by T.
Protein change: p.Asp2807Tyr; replaces aspartic acid 2807 with tyrosine.
Molecular consequence: missense variant.
Genome position (GRCh38, 1-based): chr2:21,008,449, C>A on the plus strand (G>T on the coding strand, the complement: APOB is on the minus strand). VCF-style: chr2-21008449-C-A. GRCh37 (hg19) VCF-style: chr2-21231321-C-A.
Other names: short protein forms D2807Y.
Identifiers: ClinVar variation 5037341 (VCV005037341.1).